The following is an entry in ClinVar:

NM_001164508.2(NEB):c.23926T>A (p.Ser7976Thr)

Genes: NEB (nebulin; minus strand), RIF1 (replication timing regulatory factor 1; plus strand). Cytogenetic location: 2q23.3.
Variant type: single nucleotide variant.
Coding change: c.23926T>A on transcript NM_001164508.2 (MANE Select); coding-DNA position 23926, T replaced by A.
Protein change: p.Ser7976Thr; replaces serine 7976 with threonine.
Molecular consequence: missense variant.
Genome position (GRCh38, 1-based): chr2:151,502,795, A>T on the plus strand (T>A on the coding strand, the complement: NEB is on the minus strand). VCF-style: chr2-151502795-A-T. GRCh37 (hg19) VCF-style: chr2-152359309-A-T.
Other names: c.23926T>A, p.Ser7976Thr (NM_001164507.2); c.24031T>A, p.Ser8011Thr (NM_001271208.2); c.18823T>A, p.Ser6275Thr (NM_004543.5); short protein forms S6275T, S7976T, S8011T.
Identifiers: ClinVar variation 850676 (VCV000850676.9), dbSNP rs2065743787, ClinGen allele CA348781483.

ClinVar aggregate classification (germline): Uncertain significance (1 of 4 stars; one submission).

Conditions:
Nemaline myopathy 2 (NEM2). Also called: Nemaline myopathy 2, autosomal recessive. Identifiers: MedGen C1850569, MONDO:0009725, OMIM 256030.

Allele frequency attached by ClinVar (database versions not stated): gnomAD exomes below 0.00001.
gnomAD v4.1: 1 of 1,580,790 alleles (0.000063%); highest among the groups gnomAD compares: Non-Finnish European, 0.000087%; no homozygotes.

Submission:

Labcorp Genetics (formerly Invitae), Labcorp
Classification: Uncertain significance for Nemaline myopathy 2. Last evaluated: 2022-07-19. Review status: criteria provided, single submitter. Criteria: Invitae Variant Classification Sherloc (09022015). Collection method: clinical testing. Allele origin: germline.
Comment: This sequence change replaces serine, which is neutral and polar, with threonine, which is neutral and polar, at codon 8011 of the NEB protein (p.Ser8011Thr). This variant is not present in population databases (gnomAD no frequency). This variant has not been reported in the literature in individuals affected with NEB-related conditions. ClinVar contains an entry for this variant (Variation ID: 850676). Algorithms developed to predict the effect of missense changes on protein structure and function are either unavailable or do not agree on the potential impact of this missense change (SIFT: "Deleterious"; PolyPhen-2: "Not Available"; Align-GVGD: "Class C0"). In summary, the available evidence is currently insufficient to determine the role of this variant in disease. Therefore, it has been classified as a Variant of Uncertain Significance.